The following is an entry in ClinVar:

NM_000834.5(GRIN2B):c.29C>T (p.Pro10Leu)

Gene: GRIN2B (glutamate ionotropic receptor NMDA type subunit 2B; minus strand). Cytogenetic location: 12p13.1.
Variant type: single nucleotide variant.
Coding change: c.29C>T on transcript NM_000834.5 (MANE Select); coding-DNA position 29, C replaced by T.
Protein change: p.Pro10Leu; replaces proline 10 with leucine.
Molecular consequence: missense variant.
Genome position (GRCh38, 1-based): chr12:13,866,180, G>A on the plus strand (C>T on the coding strand, the complement: GRIN2B is on the minus strand). VCF-style: chr12-13866180-G-A. GRCh37 (hg19) VCF-style: chr12-14019114-G-A.
Other names: c.29C>T, p.Pro10Leu (NM_001413992.1, NM_001413993.1, NM_001413994.1 and 1 more transcripts); short protein forms P10L.
Identifiers: ClinVar variation 4858222 (VCV004858222.1).
Genomic context (GRCh38, chr12:13,866,180, plus strand): 5'-TTCTGAGAACGAGCTCTGCTGCCTGACACGGCCAGGACGGCCAACACCAACCAGAACTTG[G>A]GAGAACAGCACTCCGCTCTGGGCTTCATCTTCAACTCGTCGACTCCCTGCAAACACAAAG-3'
Protein context (NP_000825.2, residues 1-20): MKPRAECCS[Pro10Leu]KFWLVLAVLA

ClinVar aggregate classification (germline): Uncertain significance (1 of 4 stars; one submission).

Conditions:
Inborn genetic diseases. Identifiers: MedGen C0950123, MeSH D030342.

Submission:

Ambry Genetics
Classification: Uncertain significance for Inborn genetic diseases. Last evaluated: 2026-04-23. Review status: criteria provided, single submitter. Criteria: Ambry Variant Classification Scheme 2023. Collection method: clinical testing. Allele origin: germline.
Comment: The c.29C>T (p.P10L) alteration is located in exon 2 (coding exon 1) of the GRIN2B gene. This alteration results from a C to T substitution at nucleotide position 29, causing the proline (P) at amino acid position 10 to be replaced by a leucine (L). This variant was not reported in population-based cohorts in the Genome Aggregation Database (gnomAD). This amino acid position is well conserved in available vertebrate species. This alteration is predicted to be tolerated by in silico analysis. Based on insufficient or conflicting evidence, the clinical significance of this alteration remains unclear.